The following is an entry in ClinVar:

NM_005359.6(SMAD4):c.1020G>A (p.Lys340=)

Gene: SMAD4 (SMAD family member 4; plus strand). Cytogenetic location: 18q21.2.
Variant type: single nucleotide variant.
Coding change: c.1020G>A on transcript NM_005359.6 (MANE Select); coding-DNA position 1020, G replaced by A.
Protein change: p.Lys340=; no amino-acid change (lysine 340 retained).
Molecular consequence: synonymous variant. On other transcripts: non-coding transcript variant (2).
Genome position (GRCh38, 1-based): chr18:51,065,487, G>A. VCF-style: chr18-51065487-G-A. GRCh37 (hg19) VCF-style: chr18-48591857-G-A.
Other names: c.1020G>A, p.Lys340= (NM_001407041.1, NM_001407042.1, NM_001407043.1).
Identifiers: ClinVar variation 3903905 (VCV003903905.1).
Genomic context (GRCh38, chr18:51,065,487, plus strand): 5'-TGAGTATTGGTGTTCCATTGCTTACTTTGAAATGGATGTTCAGGTAGGAGAGACATTTAA[G>A]GTTCCTTCAAGCTGCCCTATTGTTACTGTTGATGGATACGTGGACCCTTCTGGAGGAGAT-3'
Protein context (NP_005350.1, residues 330-350): EMDVQVGETF[Lys340=]VPSSCPIVTV

ClinVar aggregate classification (germline): Benign (1 of 4 stars; one submission).

Conditions:
Juvenile polyposis/hereditary hemorrhagic telangiectasia syndrome (JPHT). Also called: JP/HHT SYNDROME; JUVENILE POLYPOSIS WITH HEREDITARY HEMORRHAGIC TELANGIECTASIA; POLYPOSIS, GENERALIZED JUVENILE, WITH PULMONARY ARTERIOVENOUS MALFORMATION; TELANGIECTASIA, HEREDITARY HEMORRHAGIC, WITH JUVENILE POLYPOSIS COLI; Juvenile Polyposis Syndrome / Hereditary Hemorrhagic Telangiectasia (JPS/HHT). Identifiers: Orphanet 2929, MedGen C1832942, MONDO:0008278, OMIM 175050.

Submission:

Myriad Genetics, Inc.
Classification: Benign for Juvenile polyposis/hereditary hemorrhagic telangiectasia syndrome. Last evaluated: 2025-03-20. Review status: criteria provided, single submitter. Criteria: Myriad Autosomal Dominant, Autosomal Recessive and X-Linked Classification Criteria (2023). Collection method: clinical testing. Allele origin: unknown.
Comment: This variant is considered benign. This variant is a silent/synonymous amino acid change and it is not expected to impact splicing.